The following is an entry in ClinVar:

NM_000059.4(BRCA2):c.8091C>A (p.Ser2697Arg)

Gene: BRCA2 (BRCA2 DNA repair associated; plus strand). Cytogenetic location: 13q13.1.
Variant type: single nucleotide variant.
Coding change: c.8091C>A on transcript NM_000059.4 (MANE Select); coding-DNA position 8091, C replaced by A.
Protein change: p.Ser2697Arg; replaces serine 2697 with arginine.
Molecular consequence: missense variant.
Genome position (GRCh38, 1-based): chr13:32,363,293, C>A. VCF-style: chr13-32363293-C-A. GRCh37 (hg19) VCF-style: chr13-32937430-C-A.
Other names: short protein forms S2697R.
Identifiers: ClinVar variation 495504 (VCV000495504.14), dbSNP rs140782158, ClinGen allele CA387749268.
Genomic context (GRCh38, chr13:32,363,293, plus strand): 5'-AAGGGATGACACAGCTGCAAAAACACTTGTTCTCTGTGTTTCTGACATAATTTCATTGAG[C>A]GCAAATATATCTGAAACTTCTAGCAATAAAACTAGTAGTGCAGATACCCAAAAAGTGGCC-3'
Protein context (NP_000050.3, residues 2687-2707): VLCVSDIISL[Ser2697Arg]ANISETSSNK

ClinVar aggregate classification (germline): Conflicting classifications of pathogenicity. Review status: criteria provided, conflicting classifications (1 of 4 stars). 4 submissions from 4 submitters: Uncertain significance (3); Likely benign (1). Last evaluated 2026-05-06.

Conditions:
Hereditary cancer-predisposing syndrome. Also called: Tumor predisposition; Hereditary Cancer Syndrome; Neoplastic Syndromes, Hereditary; Hereditary neoplastic syndrome. Identifiers: Orphanet 140162, MedGen C0027672, MeSH D009386, MONDO:0015356.
Hereditary breast ovarian cancer syndrome. Also called: Breast and ovarian cancer; Hereditary breast and ovarian cancer syndrome (HBOC); Hereditary breast and/or ovarian cancer syndrome; Hereditary breast and ovarian cancer syndrome; Hereditary breast and ovarian cancer; BRCA1- and BRCA2-Associated Hereditary Breast and Ovarian Cancer. Identifiers: Orphanet 145, MedGen C0677776, MeSH D061325, MONDO:0003582. Disease mechanism: loss of function.

Submissions (4):

Women's Health and Genetics/Laboratory Corporation of America, LabCorp
Classification: Uncertain significance. Last evaluated: 2026-05-06. Review status: criteria provided, single submitter. Criteria: LabCorp Variant Classification Summary - May 2015. Collection method: clinical testing. Allele origin: germline.
Comment: Variant summary: BRCA2 c.8091C>A (p.Ser2697Arg) results in a non-conservative amino acid change in the encoded protein sequence. Algorithms developed to predict the effect of missense changes on protein structure and function are either unavailable or do not agree on the potential impact of this missense change. The variant was absent in 251314 control chromosomes. The available data on variant occurrences in the general population are insufficient to allow any conclusion about variant significance. c.8091C>A has been observed in an individual affected with breast cancer (Fanale_2021). This report does not provide unequivocal conclusions about association of the variant with Hereditary Breast And Ovarian Cancer Syndrome. To our knowledge, no experimental evidence demonstrating an impact on protein function has been reported. The following publications have been ascertained in the context of this evaluation (PMID: 34178674, 32380732). ClinVar contains an entry for this variant (Variation ID: 495504). Based on the evidence outlined above, the variant was classified as uncertain significance.

Labcorp Genetics (formerly Invitae), Labcorp
Classification: Uncertain significance for Hereditary breast ovarian cancer syndrome. Last evaluated: 2025-06-26. Review status: criteria provided, single submitter. Criteria: Invitae Variant Classification Sherloc (09022015). Collection method: clinical testing. Allele origin: germline.
Comment: This sequence change replaces serine, which is neutral and polar, with arginine, which is basic and polar, at codon 2697 of the BRCA2 protein (p.Ser2697Arg). This variant is not present in population databases (gnomAD no frequency). This missense change has been observed in individual(s) with breast cancer (PMID: 34178674). ClinVar contains an entry for this variant (Variation ID: 495504). Invitae Evidence Modeling of protein sequence and biophysical properties (such as structural, functional, and spatial information, amino acid conservation, physicochemical variation, residue mobility, and thermodynamic stability) indicates that this missense variant is not expected to disrupt BRCA2 protein function with a negative predictive value of 95%. In summary, the available evidence is currently insufficient to determine the role of this variant in disease. Therefore, it has been classified as a Variant of Uncertain Significance.

Ambry Genetics
Classification: Likely benign for Hereditary cancer-predisposing syndrome. Last evaluated: 2025-04-10. Review status: criteria provided, single submitter. Criteria: Ambry Variant Classification Scheme 2023. Collection method: clinical testing. Allele origin: germline.

Color Diagnostics, LLC DBA Color Health
Classification: Uncertain significance for Hereditary cancer-predisposing syndrome. Last evaluated: 2023-01-24. Review status: criteria provided, single submitter. Criteria: ACMG Guidelines, 2015. Collection method: clinical testing. Allele origin: germline.
Comment: This missense variant replaces serine with arginine at codon 2697 of the BRCA2 protein. Computational prediction is inconclusive regarding the impact of this variant on protein structure and function (internally defined REVEL score threshold 0.5 < inconclusive < 0.7, PMID: 27666373). To our knowledge, functional studies have not been reported for this variant. This variant has been reported in an individual affected with breast cancer with a family history of breast and/or ovarian cancer (PMID: 34178674). This variant has not been identified in the general population by the Genome Aggregation Database (gnomAD). The available evidence is insufficient to determine the role of this variant in disease conclusively. Therefore, this variant is classified as a Variant of Uncertain Significance.

Literature cited by the submitters: PubMed 32380732 (cited by Women's Health and Genetics/Laboratory Corporation of America, LabCorp); PubMed 34178674 (cited by 4 submitters).